The following is an entry in ClinVar:

NM_003791.4(MBTPS1):c.950del (p.Pro317fs)

Genes: MBTPS1 (membrane bound transcription factor peptidase, site 1; minus strand), LOC126862423 (CDK7 strongly-dependent group 2 enhancer GRCh37_chr16:84125154-84126353; plus strand). Cytogenetic location: 16q23.3.
Variant type: Deletion.
Coding change: c.950del on transcript NM_003791.4 (MANE Select); coding-DNA position 950, one base deleted (C; older notation c.950delC).
Protein change: p.Pro317fs; shifts the reading frame from proline 317.
Molecular consequence: frameshift variant.
Genome position (GRCh38, 1-based): chr16:84,091,745, G deleted on the plus strand (C on the coding strand, the reverse complement: MBTPS1 is on the minus strand); the first of 2 consecutive G bases (chr16:84,091,745-84,091,746); deleting either gives the same sequence. VCF-style (leftmost placement, unchanged base first): chr16-84091744-CG-C. GRCh37 (hg19) VCF-style: chr16-84125349-CG-C.
Other names: short protein forms P317fs.
Identifiers: ClinVar variation 4690887 (VCV004690887.1).

ClinVar aggregate classification (germline): Pathogenic (1 of 4 stars; one submission).

Submission:

Labcorp Genetics (formerly Invitae), Labcorp
Classification: Pathogenic. Last evaluated: 2025-10-03. Review status: criteria provided, single submitter. Criteria: Invitae Variant Classification Sherloc (09022015). Collection method: clinical testing. Allele origin: germline.
Comment: This sequence change creates a premature translational stop signal (p.Pro317Argfs*9) in the MBTPS1 gene. It is expected to result in an absent or disrupted protein product. Loss-of-function variants in MBTPS1 are known to be pathogenic (PMID: 30046013). This variant is present in population databases (no rsID available, gnomAD 0.007%). This variant has not been reported in the literature in individuals affected with MBTPS1-related conditions. For these reasons, this variant has been classified as Pathogenic.

Literature cited by the submitters: PubMed 30046013.